The following is an entry in ClinVar:

ClinVar aggregate classification (germline): Uncertain significance (1 of 4 stars; one submission).

gnomAD v4.1: 4 of 1,612,904 alleles (0.00025%); highest among the groups gnomAD compares: Non-Finnish European, 0.00017%; no homozygotes.

Submission:

Labcorp Genetics (formerly Invitae), Labcorp
Classification: Uncertain significance. Last evaluated: 2025-11-11. Review status: criteria provided, single submitter. Criteria: Invitae Variant Classification Sherloc (09022015). Collection method: clinical testing. Allele origin: germline.
Comment: This sequence change replaces alanine, which is neutral and non-polar, with threonine, which is neutral and polar, at codon 1076 of the AP3D1 protein (p.Ala1076Thr). This variant is not present in population databases (gnomAD no frequency). This variant has not been reported in the literature in individuals affected with AP3D1-related conditions. An algorithm developed to predict the effect of missense changes on protein structure and function (PolyPhen-2) suggests that this variant is likely to be tolerated. In summary, the available evidence is currently insufficient to determine the role of this variant in disease. Therefore, it has been classified as a Variant of Uncertain Significance.

NM_001261826.3(AP3D1):c.3226G>A (p.Ala1076Thr)

Gene: AP3D1 (adaptor related protein complex 3 subunit delta 1; minus strand). Cytogenetic location: 19p13.3.
Variant type: single nucleotide variant.
Coding change: c.3226G>A on transcript NM_001261826.3 (MANE Select); coding-DNA position 3226, G replaced by A.
Protein change: p.Ala1076Thr; replaces alanine 1076 with threonine.
Molecular consequence: missense variant.
Genome position (GRCh38, 1-based): chr19:2,110,174, C>T on the plus strand (G>A on the coding strand, the complement: AP3D1 is on the minus strand). VCF-style: chr19-2110174-C-T. GRCh37 (hg19) VCF-style: chr19-2110173-C-T.
Other names: c.3190G>A, p.Ala1064Thr (NM_001374799.1); c.3040G>A, p.Ala1014Thr (NM_003938.8); short protein forms A1064T, A1014T, A1076T.
Identifiers: ClinVar variation 4765662 (VCV004765662.1).